The following is an entry in ClinVar:

NM_001197104.2(KMT2A):c.9538A>G (p.Ile3180Val)

Gene: KMT2A (lysine methyltransferase 2A; plus strand). Cytogenetic location: 11q23.3.
Variant type: single nucleotide variant.
Coding change: c.9538A>G on transcript NM_001197104.2 (MANE Select); coding-DNA position 9538, A replaced by G.
Protein change: p.Ile3180Val; replaces isoleucine 3180 with valine.
Molecular consequence: missense variant.
Genome position (GRCh38, 1-based): chr11:118,505,430, A>G. VCF-style: chr11-118505430-A-G. GRCh37 (hg19) VCF-style: chr11-118376145-A-G.
Other names: c.9628A>G, p.Ile3210Val (NM_001412597.1); c.9529A>G, p.Ile3177Val (NM_005933.4); short protein forms I3177V, I3210V, I3180V.
Identifiers: ClinVar variation 3634352 (VCV003634352.2).

ClinVar aggregate classification (germline): Uncertain significance (1 of 4 stars; one submission).

gnomAD v4.1: 2 of 1,614,194 alleles (0.00012%); highest among the groups gnomAD compares: Non-Finnish European, 0.00017%; no homozygotes.

Submission:

Labcorp Genetics (formerly Invitae), Labcorp
Classification: Uncertain significance. Last evaluated: 2024-05-02. Review status: criteria provided, single submitter. Criteria: Invitae Variant Classification Sherloc (09022015). Collection method: clinical testing. Allele origin: germline.
Comment: This sequence change replaces isoleucine, which is neutral and non-polar, with valine, which is neutral and non-polar, at codon 3180 of the KMT2A protein (p.Ile3180Val). This variant is not present in population databases (gnomAD no frequency). This variant has not been reported in the literature in individuals affected with KMT2A-related conditions. Advanced modeling of protein sequence and biophysical properties (such as structural, functional, and spatial information, amino acid conservation, physicochemical variation, residue mobility, and thermodynamic stability) performed at Invitae indicates that this missense variant is not expected to disrupt KMT2A protein function with a negative predictive value of 95%. In summary, the available evidence is currently insufficient to determine the role of this variant in disease. Therefore, it has been classified as a Variant of Uncertain Significance.